The following is an entry in ClinVar:

NM_001291867.2(NHS):c.152C>T (p.Ala51Val)

Gene: NHS (NHS actin remodeling regulator; plus strand). Cytogenetic location: Xp22.2.
Variant type: single nucleotide variant.
Coding change: c.152C>T on transcript NM_001291867.2 (MANE Select); coding-DNA position 152, C replaced by T.
Protein change: p.Ala51Val; replaces alanine 51 with valine.
Molecular consequence: missense variant.
Genome position (GRCh38, 1-based): chrX:17,375,909, C>T. VCF-style: chrX-17375909-C-T. GRCh37 (hg19) VCF-style: chrX-17394032-C-T.
Other names: c.152C>T, p.Ala51Val (NM_198270.4); short protein forms A51V.
Identifiers: ClinVar variation 167351 (VCV000167351.24), dbSNP rs727504039, ClinGen allele CA234375.

ClinVar aggregate classification (germline): Conflicting classifications of pathogenicity. Review status: criteria provided, conflicting classifications (1 of 4 stars). 6 submissions from 6 submitters: Uncertain significance (4); Likely benign (2). Last evaluated 2026-02-01.

Conditions:
Inborn genetic diseases. Identifiers: MedGen C0950123, MeSH D030342.
Nance-Horan syndrome (NHS). Identifiers: Orphanet 627, MedGen C0796085, MONDO:0010545, OMIM 302350.
Cataract 40 (CTRCT40). Also called: Cataract 40, X-linked; CATARACT 40 WITH OR WITHOUT MICROCORNEA; CATARACT, CONGENITAL TOTAL, WITH POSTERIOR SUTURAL OPACITIES IN HETEROZYGOTES. Identifiers: Orphanet 91492, MedGen C4049004, MONDO:0010544, OMIM 302200.

Allele frequency attached by ClinVar (database versions not stated): gnomAD 0.00005 and 0.00004; TOPMed 0.00007.
gnomAD v4.1: 98 of 1,094,804 alleles (0.009%); highest among the groups gnomAD compares: Middle Eastern, 0.1%; no homozygotes.

Submissions (6):

CeGaT Center for Human Genetics Tuebingen
Classification: Likely benign. Last evaluated: 2026-02-01. Review status: criteria provided, single submitter. Criteria: CeGaT Center For Human Genetics Tuebingen Variant Classification Criteria Version 2. Collection method: clinical testing. Allele origin: germline. Affected: yes. Observed: 1 variant allele.
Comment: NHS: BS2

Labcorp Genetics (formerly Invitae), Labcorp
Classification: Uncertain significance for Nance-Horan syndrome. Last evaluated: 2025-12-08. Review status: criteria provided, single submitter. Criteria: Invitae Variant Classification Sherloc (09022015). Collection method: clinical testing. Allele origin: germline.
Comment: This sequence change replaces alanine, which is neutral and non-polar, with valine, which is neutral and non-polar, at codon 51 of the NHS protein (p.Ala51Val). This variant is present in population databases (rs727504039, gnomAD 0.04%). This variant has not been reported in the literature in individuals affected with NHS-related conditions. ClinVar contains an entry for this variant (Variation ID: 167351). An algorithm developed to predict the effect of missense changes on protein structure and function outputs the following: PolyPhen-2: "Benign". The valine amino acid residue is found in multiple mammalian species, which suggests that this missense change does not adversely affect protein function. In summary, the available evidence is currently insufficient to determine the role of this variant in disease. Therefore, it has been classified as a Variant of Uncertain Significance.

Ambry Genetics
Classification: Likely benign for Inborn genetic diseases. Last evaluated: 2022-01-10. Review status: criteria provided, single submitter. Criteria: Ambry Variant Classification Scheme 2023. Collection method: clinical testing. Allele origin: germline.

Fulgent Genetics
Classification: Uncertain significance for Cataract 40; Nance-Horan syndrome. Last evaluated: 2018-10-31. Review status: criteria provided, single submitter. Criteria: ACMG Guidelines, 2015. Collection method: clinical testing. Allele origin: unknown.

Eurofins Ntd Llc (ga)
Classification: Uncertain significance. Last evaluated: 2016-12-16. Review status: criteria provided, single submitter. Criteria: EGL Classification Definitions 2015. Collection method: clinical testing. Allele origin: germline. Observed: 3 variant alleles, 1 heterozygote, 2 hemizygotes.

Breakthrough Genomics
Classification: Uncertain significance. Review status: criteria provided, single submitter. Criteria: ACMG Guidelines, 2015. Collection method: not provided. Allele origin: germline. Inheritance: X-linked inheritance. Affected: yes.